The following is an entry in ClinVar:

ClinVar aggregate classification (germline): Uncertain significance (1 of 4 stars; one submission).

Conditions:
Dilated cardiomyopathy 1W (CMD1W). Identifiers: Orphanet 154, MedGen C1969639, MONDO:0012667, OMIM 611407.

Submission:

Labcorp Genetics (formerly Invitae), Labcorp
Classification: Uncertain significance for Dilated cardiomyopathy 1W. Last evaluated: 2021-11-29. Review status: criteria provided, single submitter. Criteria: Invitae Variant Classification Sherloc (09022015). Collection method: clinical testing. Allele origin: germline.
Comment: This sequence change replaces aspartic acid, which is acidic and polar, with glutamic acid, which is acidic and polar, at codon 714 of the VCL protein (p.Asp714Glu). In summary, the available evidence is currently insufficient to determine the role of this variant in disease. Therefore, it has been classified as a Variant of Uncertain Significance. Algorithms developed to predict the effect of missense changes on protein structure and function are either unavailable or do not agree on the potential impact of this missense change (SIFT: "Not Available"; PolyPhen-2: "Probably Damaging"; Align-GVGD: "Not Available"). This variant has not been reported in the literature in individuals affected with VCL-related conditions. This variant is not present in population databases (gnomAD no frequency).

NM_014000.3(VCL):c.2142C>G (p.Asp714Glu)

Gene: VCL (vinculin; plus strand). Cytogenetic location: 10q22.2.
Variant type: single nucleotide variant.
Coding change: c.2142C>G on transcript NM_014000.3 (MANE Select); coding-DNA position 2142, C replaced by G.
Protein change: p.Asp714Glu; replaces aspartic acid 714 with glutamic acid.
Molecular consequence: missense variant.
Genome position (GRCh38, 1-based): chr10:74,105,061, C>G. VCF-style: chr10-74105061-C-G. GRCh37 (hg19) VCF-style: chr10-75864819-C-G.
Other names: c.2142C>G, p.Asp714Glu (NM_003373.4); short protein forms D714E.
Identifiers: ClinVar variation 1491700 (VCV001491700.6), dbSNP rs373790383, ClinGen allele CA377261576.